The following is an entry in ClinVar:

ClinVar aggregate classification (germline): Likely benign. Review status: criteria provided, multiple submitters, no conflicts (2 of 4 stars). 3 submissions from 3 submitters: Likely benign (3). Last evaluated 2026-01-01.

Allele frequency attached by ClinVar (database versions not stated): 1000 Genomes Project 30x 0.00016; 1000 Genomes Project 0.00020; ExAC 0.00036; gnomAD 0.00048; TOPMed 0.00057; ESP Exome Variant Server 0.00077.
gnomAD v4.1: 1,172 of 1,609,386 alleles (0.073%); highest among the groups gnomAD compares: Non-Finnish European, 0.09%; 2 homozygotes.

Submissions (3):

CeGaT Center for Human Genetics Tuebingen
Classification: Likely benign. Last evaluated: 2026-01-01. Review status: criteria provided, single submitter. Criteria: CeGaT Center For Human Genetics Tuebingen Variant Classification Criteria Version 2. Collection method: clinical testing. Allele origin: germline. Affected: yes. Observed: 3 variant alleles.
Comment: UBA5: BP4

Labcorp Genetics (formerly Invitae), Labcorp
Classification: Likely benign. Last evaluated: 2025-12-22. Review status: criteria provided, single submitter. Criteria: Invitae Variant Classification Sherloc (09022015). Collection method: clinical testing. Allele origin: germline.

Blueprint Genetics
Classification: Likely benign. Last evaluated: 2024-11-26. Review status: criteria provided, single submitter. Criteria: ACMG Guidelines, 2015. Collection method: clinical testing. Allele origin: germline.

NM_024818.6(UBA5):c.1035G>A (p.Leu345=)

Genes: NPHP3-ACAD11 (NPHP3-ACAD11 readthrough (NMD candidate); minus strand), UBA5 (ubiquitin like modifier activating enzyme 5; plus strand). Cytogenetic location: 3q22.1.
Variant type: single nucleotide variant.
Coding change: c.1035G>A on transcript NM_024818.6 (MANE Select); coding-DNA position 1035, G replaced by A.
Protein change: p.Leu345=; no amino-acid change (leucine 345 retained).
Molecular consequence: synonymous variant.
Genome position (GRCh38, 1-based): chr3:132,675,827, G>A. VCF-style: chr3-132675827-G-A. GRCh37 (hg19) VCF-style: chr3-132394671-G-A.
Other names: c.867G>A, p.Leu289= (NM_001320210.2, NM_198329.4); c.765G>A, p.Leu255= (NM_001321238.2); c.699G>A, p.Leu233= (NM_001321239.1).
Identifiers: ClinVar variation 725703 (VCV000725703.34), dbSNP rs143023981, ClinGen allele CA2621526.